The following is an entry in ClinVar:

ClinVar aggregate classification (germline): Uncertain significance (1 of 4 stars; one submission).

Submission:

Labcorp Genetics (formerly Invitae), Labcorp
Classification: Uncertain significance. Last evaluated: 2019-12-24. Review status: criteria provided, single submitter. Criteria: Invitae Variant Classification Sherloc (09022015). Collection method: clinical testing. Allele origin: germline.
Comment: In summary, the available evidence is currently insufficient to determine the role of this variant in disease. Therefore, it has been classified as a Variant of Uncertain Significance. Algorithms developed to predict the effect of missense changes on protein structure and function are either unavailable or do not agree on the potential impact of this missense change (SIFT: "Deleterious"; PolyPhen-2: "Probably Damaging"; Align-GVGD: "Class C0"). This variant has not been reported in the literature in individuals with DTHD1-related conditions. This variant is not present in population databases (ExAC no frequency). This sequence change replaces aspartic acid with histidine at codon 574 of the DTHD1 protein (p.Asp574His). The aspartic acid residue is highly conserved and there is a moderate physicochemical difference between aspartic acid and histidine.

NM_001170700.3(DTHD1):c.2590G>C (p.Asp864His)

Gene: DTHD1 (death domain containing 1; plus strand). Cytogenetic location: 4p14.
Variant type: single nucleotide variant.
Coding change: c.2590G>C on transcript NM_001170700.3 (MANE Select); coding-DNA position 2590, G replaced by C.
Protein change: p.Asp864His; replaces aspartic acid 864 with histidine.
Molecular consequence: missense variant. On other transcripts: synonymous variant (1), non-coding transcript variant (2).
Genome position (GRCh38, 1-based): chr4:36,343,693, G>C. VCF-style: chr4-36343693-G-C. GRCh37 (hg19) VCF-style: chr4-36345315-G-C.
Other names: c.1720G>C, p.Asp574His (NM_001136536.5); c.1599G>C, p.Pro533= (NM_001378435.1); short protein forms D574H, D864H.
Identifiers: ClinVar variation 858900 (VCV000858900.10), dbSNP rs1235443089, ClinGen allele CA356682430.